The following is an entry in ClinVar:

NM_004974.4(KCNA2):c.128G>A (p.Arg43Gln)

Gene: KCNA2 (potassium voltage-gated channel subfamily A member 2; minus strand). Cytogenetic location: 1p13.3.
Variant type: single nucleotide variant.
Coding change: c.128G>A on transcript NM_004974.4 (MANE Select); coding-DNA position 128, G replaced by A.
Protein change: p.Arg43Gln; replaces arginine 43 with glutamine.
Molecular consequence: missense variant.
Genome position (GRCh38, 1-based): chr1:110,604,655, C>T on the plus strand (G>A on the coding strand, the complement: KCNA2 is on the minus strand). VCF-style: chr1-110604655-C-T. GRCh37 (hg19) VCF-style: chr1-111147277-C-T.
Other names: c.128G>A, p.Arg43Gln (NM_001204269.2); short protein forms R43Q.
Identifiers: ClinVar variation 3710681 (VCV003710681.2).

ClinVar aggregate classification (germline): Uncertain significance (1 of 4 stars; one submission).

Conditions:
Developmental and epileptic encephalopathy, 32 (DEE32). Also called: Epileptic encephalopathy, early infantile, 32. Identifiers: Orphanet 442835, MedGen C4225350, MONDO:0014607, OMIM 616366.

Submission:

Labcorp Genetics (formerly Invitae), Labcorp
Classification: Uncertain significance for Developmental and epileptic encephalopathy, 32. Last evaluated: 2024-12-19. Review status: criteria provided, single submitter. Criteria: Invitae Variant Classification Sherloc (09022015). Collection method: clinical testing. Allele origin: germline.
Comment: This sequence change replaces arginine, which is basic and polar, with glutamine, which is neutral and polar, at codon 43 of the KCNA2 protein (p.Arg43Gln). This variant is present in population databases (rs772058917, gnomAD 0.003%). This missense change has been observed in individual(s) with KCNA2-related disorders (PMID: 32086284). Invitae Evidence Modeling of protein sequence and biophysical properties (such as structural, functional, and spatial information, amino acid conservation, physicochemical variation, residue mobility, and thermodynamic stability) has been performed for this missense variant. However, the output from this modeling did not meet the statistical confidence thresholds required to predict the impact of this variant on KCNA2 protein function. In summary, the available evidence is currently insufficient to determine the role of this variant in disease. Therefore, it has been classified as a Variant of Uncertain Significance.

Literature cited by the submitters: PubMed 32086284.